The following is an entry in ClinVar:

ClinVar aggregate classification (germline): Uncertain significance (1 of 4 stars; one submission).

Submission:

Labcorp Genetics (formerly Invitae), Labcorp
Classification: Uncertain significance. Last evaluated: 2022-03-09. Review status: criteria provided, single submitter. Criteria: Invitae Variant Classification Sherloc (09022015). Collection method: clinical testing. Allele origin: germline.
Comment: In summary, the available evidence is currently insufficient to determine the role of this variant in disease. Therefore, it has been classified as a Variant of Uncertain Significance. Algorithms developed to predict the effect of missense changes on protein structure and function (SIFT, PolyPhen-2, Align-GVGD) all suggest that this variant is likely to be tolerated. This variant has not been reported in the literature in individuals affected with CCDC88A-related conditions. This variant is not present in population databases (gnomAD no frequency). This sequence change replaces serine, which is neutral and polar, with alanine, which is neutral and non-polar, at codon 1700 of the CCDC88A protein (p.Ser1700Ala).

NM_001365480.1(CCDC88A):c.5101T>G (p.Ser1701Ala)

Gene: CCDC88A (coiled-coil and HOOK domain protein 88A; minus strand). Cytogenetic location: 2p16.1.
Variant type: single nucleotide variant.
Coding change: c.5101T>G on transcript NM_001365480.1 (MANE Select); coding-DNA position 5101, T replaced by G.
Protein change: p.Ser1701Ala; replaces serine 1701 with alanine.
Molecular consequence: missense variant.
Genome position (GRCh38, 1-based): chr2:55,296,047, A>C on the plus strand (T>G on the coding strand, the complement: CCDC88A is on the minus strand). VCF-style: chr2-55296047-A-C. GRCh37 (hg19) VCF-style: chr2-55523183-A-C.
Other names: c.5098T>G, p.Ser1700Ala (NM_001135597.2, NM_001254943.2); c.5017T>G, p.Ser1673Ala (NM_018084.5); short protein forms S1700A, S1673A, S1701A.
Identifiers: ClinVar variation 1944230 (VCV001944230.5), dbSNP rs2529532014, ClinGen allele CA346912208.
Genomic context (GRCh38, chr2:55,296,047, plus strand): 5'-AAAAGTCAGAAGAGACAGACAAACTTTTCATTACTTCATCTAAAAGATTCTCTTGACTTG[A>C]GGACTTTATCTGTTTAAAAAAAAATTCAAAGCAGATTAGTGAATATAGTGCCATGTTTTT-3'
Protein context (NP_001352409.1, residues 1691-1711): NKLTSVQIKS[Ser1701Ala]SQENLLDEVM